The following is an entry in ClinVar:

NM_016203.4(PRKAG2):c.1679-125C>T

Gene: PRKAG2 (protein kinase AMP-activated non-catalytic subunit gamma 2; minus strand). Cytogenetic location: 7q36.1.
Variant type: single nucleotide variant.
Coding change: c.1679-125C>T on transcript NM_016203.4 (MANE Select); 125 bases into the intron before coding-DNA position 1679, C replaced by T.
Molecular consequence: intron variant.
Genome position (GRCh38, 1-based): chr7:151,557,357, G>A on the plus strand (C>T on the coding strand, the complement: PRKAG2 is on the minus strand). VCF-style: chr7-151557357-G-A. GRCh37 (hg19) VCF-style: chr7-151254443-G-A.
Other names: c.1547-125C>T (NM_001040633.2); c.1304-125C>T (NM_001304527.2); c.1307-125C>T (NM_001363698.2); c.956-125C>T (NM_001304531.2, NM_024429.2).
Identifiers: ClinVar variation 675266 (VCV000675266.3), dbSNP rs142653616, ClinGen allele CA169162583.

ClinVar aggregate classification (germline): Benign. Review status: criteria provided, multiple submitters, no conflicts (2 of 4 stars). 3 submissions from 3 submitters: Benign (3). Last evaluated 2018-06-19.

Allele frequency attached by ClinVar (database versions not stated): 1000 Genomes Project 30x 0.01265; 1000 Genomes Project 0.01318; TOPMed 0.02275; gnomAD 0.02802 and 0.02914; gnomAD exomes 0.03460.
gnomAD v4.1: 54,175 of 1,604,530 alleles (3.4%); highest among the groups gnomAD compares: Non-Finnish European, 3.9%; 1,172 homozygotes.

Submissions (3):

Blueprint Genetics
Classification: Benign. Last evaluated: 2018-06-19. Review status: criteria provided, single submitter. Criteria: ACMG Guidelines, 2015. Collection method: clinical testing. Allele origin: germline.

GeneDx
Classification: Benign. Last evaluated: 2018-06-16. Review status: criteria provided, single submitter. Criteria: GeneDx Variant Classification (06012015). Collection method: clinical testing. Allele origin: germline. Affected: yes.
Comment: This variant is considered likely benign or benign based on one or more of the following criteria: it is a conservative change, it occurs at a poorly conserved position in the protein, it is predicted to be benign by multiple in silico algorithms, and/or has population frequency not consistent with disease.

Breakthrough Genomics
Classification: Benign. Review status: criteria provided, single submitter. Criteria: ACMG Guidelines, 2015. Collection method: not provided. Allele origin: germline. Inheritance: Autosomal dominant inheritance. Affected: yes.